The following is an entry in ClinVar:

NM_021922.3(FANCE):c.855+58A>G

Gene: FANCE (FA complementation group E; plus strand). Cytogenetic location: 6p21.31.
Variant type: single nucleotide variant.
Coding change: c.855+58A>G on transcript NM_021922.3 (MANE Select); 58 bases into the intron after coding-DNA position 855, A replaced by G.
Molecular consequence: intron variant.
Genome position (GRCh38, 1-based): chr6:35,456,411, A>G. VCF-style: chr6-35456411-A-G. GRCh37 (hg19) VCF-style: chr6-35424188-A-G.
Identifiers: ClinVar variation 929575 (VCV000929575.3), dbSNP rs3800377, ClinGen allele CA15428565.
Genomic context (GRCh38, chr6:35,456,411, plus strand): 5'-CAGGTACTTTGGTAGGGAGACTGGGTTTAGAGTGATCTTTCAGCAGTGGTGGCTTTATCC[A>G]TGGGGAAGGCTGCTTGGGACACTTTTTCCCAATGGAGTTGACTGTAGTTCCTGGAGGAAG-3'

ClinVar aggregate classification (germline): Benign. Review status: criteria provided, single submitter (1 of 4 stars). 2 submissions from 2 submitters: Benign (1). 1 of the submissions does not count toward it. Last evaluated 2019-01-10.

Allele frequency attached by ClinVar (database versions not stated): 1000 Genomes Project 0.71905; 1000 Genomes Project 30x 0.72829; TOPMed 0.72873.
gnomAD v4.1: 1,064,783 of 1,611,280 alleles (66%); highest among the groups gnomAD compares: African/African-American, 87%; 354,876 homozygotes.

Submissions (2):

GeneDx
Classification: Benign. Last evaluated: 2019-01-10. Review status: criteria provided, single submitter. Criteria: GeneDx Variant Classification Process June 2021. Collection method: clinical testing. Allele origin: germline. Affected: yes.

Leiden Open Variation Database
Classification: Uncertain significance. Last evaluated: 2011-02-07. Review status: no assertion criteria provided. Collection method: curation. Allele origin: germline. Affected: yes. Not counted in ClinVar's aggregate classification.
Comment: Curator: Arleen D. Auerbach. Submitter to LOVD: Arleen D. Auerbach.